The following is an entry in ClinVar:

ClinVar aggregate classification (germline): Pathogenic (1 of 4 stars; one submission).

Conditions:
Odonto-onycho-dermal dysplasia. Identifiers: Orphanet 2721, MedGen C0796093, MONDO:0009773, OMIM 257980.
Tooth agenesis, selective, 4 (STHAG4). Also called: LATERAL INCISORS, ABSENCE OF; LATERAL INCISORS, PEGGED OR MISSING; SUCCEDANEOUS TEETH, AGENESIS OF; TOOTH AGENESIS, SELECTIVE, 4, WITH OR WITHOUT ECTODERMAL DYSPLASIA. Identifiers: Orphanet 99798, MedGen C1835492, MONDO:0007881, OMIM 150400. Disease mechanism: loss of function.

Submission:

Labcorp Genetics (formerly Invitae), Labcorp
Classification: Pathogenic for Tooth agenesis, selective, 4; Odonto-onycho-dermal dysplasia. Last evaluated: 2021-04-30. Review status: criteria provided, single submitter. Criteria: Invitae Variant Classification Sherloc (09022015). Collection method: clinical testing. Allele origin: germline.
Comment: For these reasons, this variant has been classified as Pathogenic. This variant disrupts the C-terminus of the WNT10A protein. Other variant(s) that disrupt this region (p.Glu390*) have been determined to be pathogenic (PMID: 24902757). This suggests that variants that disrupt this region of the protein are likely to be causative of disease. This variant has not been reported in the literature in individuals with WNT10A-related conditions. This variant is not present in population databases (ExAC no frequency). This sequence change results in a frameshift in the WNT10A gene (p.Ser365Glufs*63). While this is not anticipated to result in nonsense mediated decay, it is expected to disrupt the last 53 amino acid(s) of the WNT10A protein and extend the protein by 9 additional amino acid residues.

Literature cited by the submitters: PubMed 24902757.

NM_025216.3(WNT10A):c.1091dup (p.Ser365fs)

Gene: WNT10A (Wnt family member 10A; plus strand). Cytogenetic location: 2q35.
Variant type: Duplication.
Coding change: c.1091dup on transcript NM_025216.3 (MANE Select); coding-DNA position 1091, one base duplicated (A; older notation c.1091dupA).
Protein change: p.Ser365fs; shifts the reading frame from serine 365.
Molecular consequence: frameshift variant.
Genome position (GRCh38, 1-based): chr2:218,893,108, A duplicated; the last of 2 consecutive A bases (chr2:218,893,107-218,893,108); duplicating either gives the same sequence. VCF-style (leftmost placement, unchanged base first): chr2-218893106-C-CA. GRCh37 (hg19) VCF-style: chr2-219757828-C-CA.
Other names: short protein forms S365fs.
Identifiers: ClinVar variation 1412867 (VCV001412867.8), dbSNP rs2106018717, ClinGen allele CA2573135233.